The following is an entry in ClinVar:

NM_002693.3(POLG):c.3268G>A (p.Glu1090Lys)

Gene: POLG (DNA polymerase gamma, catalytic subunit; minus strand). Cytogenetic location: 15q26.1.
Variant type: single nucleotide variant.
Coding change: c.3268G>A on transcript NM_002693.3 (MANE Select); coding-DNA position 3268, G replaced by A.
Protein change: p.Glu1090Lys; replaces glutamic acid 1090 with lysine.
Molecular consequence: missense variant.
Genome position (GRCh38, 1-based): chr15:89,318,936, C>T on the plus strand (G>A on the coding strand, the complement: POLG is on the minus strand). VCF-style: chr15-89318936-C-T. GRCh37 (hg19) VCF-style: chr15-89862167-C-T.
Other names: c.3268G>A, p.Glu1090Lys (NM_001126131.2); short protein forms E1090K.
Identifiers: ClinVar variation 841766 (VCV000841766.11), dbSNP rs759284625, ClinGen allele CA7724192.
Genomic context (GRCh38, chr15:89,318,936, plus strand): 5'-TCTGCCCTGCCCTCCCTGGGGCCCCTCTGCCCATGCTCCAAAGGTAGCAAGATACCTCTT[C>T]CTGGACAGCCGAGGGCTCCAGGGCTCGGCTGATGCAGCAGCCCAGCACCGGGGTACGTGG-3'
Protein context (NP_002684.1, residues 1080-1100): SRALEPSAVQ[Glu1090Lys]EFMTSRVNWV

ClinVar aggregate classification (germline): Uncertain significance. Review status: criteria provided, multiple submitters, no conflicts (2 of 4 stars). 2 submissions from 2 submitters: Uncertain significance (2). Last evaluated 2020-10-02.

Conditions:
Progressive sclerosing poliodystrophy (MTDPS4A). Also called: NEURONAL DEGENERATION OF CHILDHOOD WITH LIVER DISEASE, PROGRESSIVE; Alpers Syndrome; Alpers-Huttenlocher Syndrome (AHS); ALPERS PROGRESSIVE INFANTILE POLIODYSTROPHY; Mitochondrial DNA Depletion Syndrome 4A; ALPERS DIFFUSE DEGENERATION OF CEREBRAL GRAY MATTER WITH HEPATIC CIRRHOSIS. Identifiers: Orphanet 726, MedGen C0205710, MONDO:0008758, OMIM 203700.

Allele frequency attached by ClinVar (database versions not stated): gnomAD exomes below 0.00001; ExAC 0.00001.

Submissions (2):

Athena Diagnostics
Classification: Uncertain significance. Last evaluated: 2020-10-02. Review status: criteria provided, single submitter. Criteria: Athena Diagnostics criteria. Collection method: clinical testing. Allele origin: unknown.

Labcorp Genetics (formerly Invitae), Labcorp
Classification: Uncertain significance for Progressive sclerosing poliodystrophy. Last evaluated: 2019-11-20. Review status: criteria provided, single submitter. Criteria: Invitae Variant Classification Sherloc (09022015). Collection method: clinical testing. Allele origin: germline.
Comment: Algorithms developed to predict the effect of missense changes on protein structure and function (SIFT, PolyPhen-2, Align-GVGD) all suggest that this variant is likely to be tolerated, but these predictions have not been confirmed by published functional studies and their clinical significance is uncertain. This variant has not been reported in the literature in individuals with POLG-related conditions. This variant is present in population databases (rs759284625, ExAC 0.009%). This sequence change replaces glutamic acid with lysine at codon 1090 of the POLG protein (p.Glu1090Lys). The glutamic acid residue is weakly conserved and there is a small physicochemical difference between glutamic acid and lysine. In summary, the available evidence is currently insufficient to determine the role of this variant in disease. Therefore, it has been classified as a Variant of Uncertain Significance.